The following is an entry in ClinVar:

ClinVar aggregate classification (germline): Uncertain significance (1 of 4 stars; one submission).

Submission:

GeneDx
Classification: Uncertain significance. Last evaluated: 2021-10-07. Review status: criteria provided, single submitter. Criteria: GeneDx Variant Classification Process June 2021. Collection method: clinical testing. Allele origin: germline. Affected: yes.
Comment: Has not been previously published as pathogenic or benign to our knowledge; Not observed in large population cohorts (Lek et al., 2016); In silico analysis supports that this missense variant does not alter protein structure/function

NM_015021.3(ZNF292):c.6527T>C (p.Val2176Ala)

Gene: ZNF292 (zinc finger protein 292; plus strand). Cytogenetic location: 6q14.3.
Variant type: single nucleotide variant.
Coding change: c.6527T>C on transcript NM_015021.3 (MANE Select); coding-DNA position 6527, T replaced by C.
Protein change: p.Val2176Ala; replaces valine 2176 with alanine.
Molecular consequence: missense variant.
Genome position (GRCh38, 1-based): chr6:87,260,156, T>C. VCF-style: chr6-87260156-T-C. GRCh37 (hg19) VCF-style: chr6-87969874-T-C.
Other names: c.6107T>C, p.Val2036Ala (NM_001351444.2); short protein forms V2036A, V2176A.
Identifiers: ClinVar variation 1320899 (VCV001320899.2), dbSNP rs1395658492, ClinGen allele CA364938467.
Genomic context (GRCh38, chr6:87,260,156, plus strand): 5'-CTGGTAAAGAAAGTGAAGAAACTGAAACTAAACAAACTTTGAAAGAATTTCGATGTCAGG[T>C]AAGTGACTGTTCTCGAATTTTCCAAGCAATTACTGGCCTAATACAACACTACATGAAACT-3'
Protein context (NP_055836.1, residues 2166-2186): KQTLKEFRCQ[Val2176Ala]SDCSRIFQAI